The following is an entry in ClinVar:

ClinVar aggregate classification (germline): Uncertain significance (1 of 4 stars; one submission).

Conditions:
Hereditary sensory neuropathy-deafness-dementia syndrome. Also called: Hereditary sensory neuropathy type IE; Hereditary Sensory and Autonomic Neuropathy Type 1E (HSAN1E); HSN IE; NEUROPATHY, HEREDITARY SENSORY, WITH HEARING LOSS AND DEMENTIA. Identifiers: Orphanet 456318, MedGen C3279885, MONDO:0013584, OMIM 614116.

Submission:

Labcorp Genetics (formerly Invitae), Labcorp
Classification: Uncertain significance for Hereditary sensory neuropathy-deafness-dementia syndrome. Last evaluated: 2021-08-27. Review status: criteria provided, single submitter. Criteria: Invitae Variant Classification Sherloc (09022015). Collection method: clinical testing. Allele origin: germline.
Comment: Algorithms developed to predict the effect of missense changes on protein structure and function are either unavailable or do not agree on the potential impact of this missense change (SIFT: "Deleterious"; PolyPhen-2: "Benign"; Align-GVGD: "Class C0"). This variant has not been reported in the literature in individuals affected with DNMT1-related conditions. The frequency data for this variant in the population databases is considered unreliable, as metrics indicate insufficient coverage at this position in the ExAC database. This sequence change replaces alanine with valine at codon 155 of the DNMT1 protein (p.Ala155Val). The alanine residue is weakly conserved and there is a small physicochemical difference between alanine and valine. In summary, the available evidence is currently insufficient to determine the role of this variant in disease. Therefore, it has been classified as a Variant of Uncertain Significance.

NM_001130823.3(DNMT1):c.464C>T (p.Ala155Val)

Gene: DNMT1 (DNA methyltransferase 1; minus strand). Cytogenetic location: 19p13.2.
Variant type: single nucleotide variant.
Coding change: c.464C>T on transcript NM_001130823.3 (MANE Select); coding-DNA position 464, C replaced by T.
Protein change: p.Ala155Val; replaces alanine 155 with valine.
Molecular consequence: missense variant. On other transcripts: intron variant (2).
Genome position (GRCh38, 1-based): chr19:10,180,216, G>A on the plus strand (C>T on the coding strand, the complement: DNMT1 is on the minus strand). VCF-style: chr19-10180216-G-A. GRCh37 (hg19) VCF-style: chr19-10290892-G-A.
Other names: c.101C>T, p.Ala34Val (NM_001318731.2); c.445+134C>T (NM_001379.4, NM_001318730.2); short protein forms A34V, A155V.
Identifiers: ClinVar variation 1388282 (VCV001388282.6), dbSNP rs2145377941, ClinGen allele CA403945933.
Genomic context (GRCh38, chr19:10,180,216, plus strand): 5'-ACAAAAATTAGCTGGGTGTGGTGGCACATACCTCTAATCCCAGTTACTTGGGAGGCTGAG[G>A]CAGGAGGGTCTCTTGAACCTGGGAGGCAGAGGTTACAGTGAGCCGAGGTTACACCACTGT-3'
Protein context (NP_001124295.1, residues 145-165): GEAKRSRDPP[Ala155Val]SASQVTGIRA